The following is an entry in ClinVar:

NM_006118.4(HAX1):c.241T>G (p.Phe81Val)

Gene: HAX1 (HCLS1 associated protein X-1; plus strand). Cytogenetic location: 1q21.3.
Variant type: single nucleotide variant.
Coding change: c.241T>G on transcript NM_006118.4 (MANE Select); coding-DNA position 241, T replaced by G.
Protein change: p.Phe81Val; replaces phenylalanine 81 with valine.
Molecular consequence: missense variant.
Genome position (GRCh38, 1-based): chr1:154,273,523, T>G. VCF-style: chr1-154273523-T-G. GRCh37 (hg19) VCF-style: chr1-154245999-T-G.
Other names: c.97T>G, p.Phe33Val (NM_001018837.2); short protein forms F33V, F81V.
Identifiers: ClinVar variation 2228576 (VCV002228576.3), dbSNP rs1318684198, ClinGen allele CA342591596.

ClinVar aggregate classification (germline): Uncertain significance (1 of 4 stars; one submission).

Conditions:
Inborn genetic diseases. Identifiers: MedGen C0950123, MeSH D030342.

Allele frequency attached by ClinVar (database versions not stated): TOPMed 0.00002; gnomAD 0.00002; gnomAD exomes below 0.00001.
gnomAD v4.1: 4 of 1,614,074 alleles (0.00025%); highest among the groups gnomAD compares: African/African-American, 0.0053%; no homozygotes.

Submission:

Ambry Genetics
Classification: Uncertain significance for Inborn genetic diseases. Last evaluated: 2025-04-05. Review status: criteria provided, single submitter. Criteria: Ambry Variant Classification Scheme 2023. Collection method: clinical testing. Allele origin: germline.
Comment: The p.F81V variant (also known as c.241T>G), located in coding exon 2 of the HAX1 gene, results from a T to G substitution at nucleotide position 241. The phenylalanine at codon 81 is replaced by valine, an amino acid with highly similar properties. This amino acid position is conserved. In addition, the in silico prediction for this alteration is inconclusive. Based on the available evidence, the clinical significance of this variant remains unclear.